The following is an entry in ClinVar:

ClinVar aggregate classification (germline): Uncertain significance (1 of 4 stars; one submission).

Allele frequency attached by ClinVar (database versions not stated): gnomAD 0.00001.
gnomAD v4.1: 2 of 1,610,974 alleles (0.00012%); highest among the groups gnomAD compares: African/African-American, 0.0013%; no homozygotes.

Submission:

GeneDx
Classification: Uncertain significance. Last evaluated: 2022-01-04. Review status: criteria provided, single submitter. Criteria: GeneDx Variant Classification Process June 2021. Collection method: clinical testing. Allele origin: germline. Affected: yes.
Comment: Not observed at significant frequency in large population cohorts (gnomAD); In silico analysis supports that this missense variant does not alter protein structure/function; Has not been previously published as pathogenic or benign to our knowledge

NM_001348716.2(KDM6B):c.1918G>A (p.Val640Met)

Gene: KDM6B (lysine demethylase 6B; plus strand). Cytogenetic location: 17p13.1.
Variant type: single nucleotide variant.
Coding change: c.1918G>A on transcript NM_001348716.2 (MANE Select); coding-DNA position 1918, G replaced by A.
Protein change: p.Val640Met; replaces valine 640 with methionine.
Molecular consequence: missense variant.
Genome position (GRCh38, 1-based): chr17:7,848,206, G>A. VCF-style: chr17-7848206-G-A. GRCh37 (hg19) VCF-style: chr17-7751524-G-A.
Other names: c.1918G>A, p.Val640Met (NM_001080424.2); short protein forms V640M.
Identifiers: ClinVar variation 1693423 (VCV001693423.2), dbSNP rs534591239, ClinGen allele CA397917677.
Genomic context (GRCh38, chr17:7,848,206, plus strand): 5'-GGAAGCTTCAGGCGCCCGGAGAGCCCCCGGCCCAGGGTCTCCTTCCCAAAGACCCCCGAG[G>A]TGGGGCCGGGGCCACCCCCAGGCCCCCTGAGTAAAGCCCCCCAGCCTGTGCCGCCCGGGG-3'
Protein context (NP_001335645.1, residues 630-650): PRVSFPKTPE[Val640Met]GPGPPPGPLS